The following is an entry in ClinVar:

ClinVar aggregate classification (germline): Uncertain significance (1 of 4 stars; one submission).

Conditions:
Nephrotic syndrome, IIa 26. Also called: Nephrotic syndrome, type 26. Identifiers: MedGen C5774221, MONDO:0031061, OMIM 620049.

Submission:

OLLIN Analises Genomicas, OLLIN
Classification: Uncertain significance for Nephrotic syndrome, IIa 26. Last evaluated: 2026-08-06. Review status: criteria provided, single submitter. Criteria: ACMG Guidelines 2015 PMID 25741868. Collection method: clinical testing. Allele origin: germline. Inheritance: Autosomal recessive inheritance.
Comment: This missense variant, located in exon 52 (of 80), has been observed in gnomAD with an allele frequency of 0.000063%, but has not been reported in ClinVar or identified in the literature. In silico analysis is inconclusive regarding the impact of this variant. According to the currently available evidence, this variant has been classified as uncertain significance (PM2_P).

NM_005560.6(LAMA5):c.6923C>T (p.Ser2308Leu)

Gene: LAMA5 (laminin subunit alpha 5; minus strand). Cytogenetic location: 20q13.33.
Variant type: single nucleotide variant.
Coding change: c.6923C>T on transcript NM_005560.6 (MANE Select); coding-DNA position 6923, C replaced by T.
Protein change: p.Ser2308Leu; replaces serine 2308 with leucine.
Molecular consequence: missense variant.
Genome position (GRCh38, 1-based): chr20:62,318,962, G>A on the plus strand (C>T on the coding strand, the complement: LAMA5 is on the minus strand). VCF-style: chr20-62318962-G-A. GRCh37 (hg19) VCF-style: chr20-60894018-G-A.
Other names: short protein forms S2308L.
Identifiers: ClinVar variation 5002764 (VCV005002764.1).
Genomic context (GRCh38, chr20:62,318,962, plus strand): 5'-GCCCGCATCTCCCAGAGCAGCCGCTCCACCTCGGCCAGTGTCCGGAGCAGCTGCTCACCT[G>A]ATGGAGCCGAGGCATTGGCCAGCCCCAGGTGGCCCGTCTGGGACATGAGCTCTGTGGGGC-3'
Protein context (NP_005551.3, residues 2298-2318): HLGLANASAP[Ser2308Leu]GEQLLRTLAE